The following is an entry in ClinVar:

NM_024408.4(NOTCH2):c.2453C>T (p.Thr818Ile)

Gene: NOTCH2 (notch receptor 2; minus strand). Cytogenetic location: 1p12.
Variant type: single nucleotide variant.
Coding change: c.2453C>T on transcript NM_024408.4 (MANE Select); coding-DNA position 2453, C replaced by T.
Protein change: p.Thr818Ile; replaces threonine 818 with isoleucine.
Molecular consequence: missense variant.
Genome position (GRCh38, 1-based): chr1:119,950,750, G>A on the plus strand (C>T on the coding strand, the complement: NOTCH2 is on the minus strand). VCF-style: chr1-119950750-G-A. GRCh37 (hg19) VCF-style: chr1-120493373-G-A.
Other names: c.2453C>T, p.Thr818Ile (NM_001200001.2); short protein forms T818I.
Identifiers: ClinVar variation 3613275 (VCV003613275.2).

ClinVar aggregate classification (germline): Uncertain significance (1 of 4 stars; one submission).

Conditions:
Hajdu-Cheney syndrome (HJCYS). Also called: SERPENTINE FIBULA-POLYCYSTIC KIDNEY SYNDROME; ACROOSTEOLYSIS WITH OSTEOPOROSIS AND CHANGES IN SKULL AND MANDIBLE; Acroosteolysis dominant type. Identifiers: Orphanet 955, MedGen C0917715, MONDO:0007057, OMIM 102500.

gnomAD v4.1: 1 of 1,612,828 alleles (0.000062%); highest among the groups gnomAD compares: East Asian, 0.0022%; no homozygotes.

Submission:

Labcorp Genetics (formerly Invitae), Labcorp
Classification: Uncertain significance for Hajdu-Cheney syndrome. Last evaluated: 2024-06-20. Review status: criteria provided, single submitter. Criteria: Invitae Variant Classification Sherloc (09022015). Collection method: clinical testing. Allele origin: germline.
Comment: This sequence change replaces threonine, which is neutral and polar, with isoleucine, which is neutral and non-polar, at codon 818 of the NOTCH2 protein (p.Thr818Ile). This variant is present in population databases (no rsID available, gnomAD 0.006%). This missense change has been observed in individual(s) with NOTCH2-related conditions (PMID: 32436246). Advanced modeling of protein sequence and biophysical properties (such as structural, functional, and spatial information, amino acid conservation, physicochemical variation, residue mobility, and thermodynamic stability) performed at Invitae indicates that this missense variant is not expected to disrupt NOTCH2 protein function with a negative predictive value of 80%. In summary, the available evidence is currently insufficient to determine the role of this variant in disease. Therefore, it has been classified as a Variant of Uncertain Significance.

Literature cited by the submitters: PubMed 32436246.